The following is an entry in ClinVar:

NM_006445.4(PRPF8):c.3231A>G (p.Ile1077Met)

Gene: PRPF8 (pre-mRNA processing factor 8; minus strand). Cytogenetic location: 17p13.3.
Variant type: single nucleotide variant.
Coding change: c.3231A>G on transcript NM_006445.4 (MANE Select); coding-DNA position 3231, A replaced by G.
Protein change: p.Ile1077Met; replaces isoleucine 1077 with methionine.
Molecular consequence: missense variant.
Genome position (GRCh38, 1-based): chr17:1,674,510, T>C on the plus strand (A>G on the coding strand, the complement: PRPF8 is on the minus strand). VCF-style: chr17-1674510-T-C. GRCh37 (hg19) VCF-style: chr17-1577804-T-C.
Other names: short protein forms I1077M.
Identifiers: ClinVar variation 1719419 (VCV001719419.6), dbSNP rs1319226912, ClinGen allele CA397542560.
Genomic context (GRCh38, chr17:1,674,510, plus strand): 5'-AATATGGATGCGATCAATGTATCTGCAGAAGAGACGGATGGGGTGGGCAGCCTCAGTGGC[T>C]ATGTCCTGGAAACTGAGAAAGTCATTTGGCATCTGAGGGGGCCCAGCCATCTCACTGGCC-3'
Protein context (NP_006436.3, residues 1067-1087): MPNDFLSFQD[Ile1077Met]ATEAAHPIRL

ClinVar aggregate classification (germline): Uncertain significance (1 of 4 stars; one submission).

gnomAD v4.1: 8 of 1,614,184 alleles (0.0005%); highest among the groups gnomAD compares: Non-Finnish European, 0.00068%; no homozygotes.

Submission:

Labcorp Genetics (formerly Invitae), Labcorp
Classification: Uncertain significance. Last evaluated: 2022-09-14. Review status: criteria provided, single submitter. Criteria: Invitae Variant Classification Sherloc (09022015). Collection method: clinical testing. Allele origin: germline.
Comment: In summary, the available evidence is currently insufficient to determine the role of this variant in disease. Therefore, it has been classified as a Variant of Uncertain Significance. Advanced modeling of protein sequence and biophysical properties (such as structural, functional, and spatial information, amino acid conservation, physicochemical variation, residue mobility, and thermodynamic stability) performed at Invitae indicates that this missense variant is not expected to disrupt PRPF8 protein function. This variant has not been reported in the literature in individuals affected with PRPF8-related conditions. This variant is not present in population databases (gnomAD no frequency). This sequence change replaces isoleucine, which is neutral and non-polar, with methionine, which is neutral and non-polar, at codon 1077 of the PRPF8 protein (p.Ile1077Met).